The following is an entry in ClinVar:

NM_000836.4(GRIN2D):c.2712G>A (p.Pro904=)

Gene: GRIN2D (glutamate ionotropic receptor NMDA type subunit 2D; plus strand). Cytogenetic location: 19q13.33.
Variant type: single nucleotide variant.
Coding change: c.2712G>A on transcript NM_000836.4 (MANE Select); coding-DNA position 2712, G replaced by A.
Protein change: p.Pro904=; no amino-acid change (proline 904 retained).
Molecular consequence: synonymous variant.
Genome position (GRCh38, 1-based): chr19:48,442,638, G>A. VCF-style: chr19-48442638-G-A. GRCh37 (hg19) VCF-style: chr19-48945895-G-A.
Identifiers: ClinVar variation 2904123 (VCV002904123.13), dbSNP rs778517335, ClinGen allele CA9550810.
Genomic context (GRCh38, chr19:48,442,638, plus strand): 5'-CGTCCTGTCCCCGGACCCGCAGGGCATGTACAGCTGCTGCAGCGCTGAGGCCGCCCCACC[G>A]CCCGCCAAGCCCCCGCCGCCGCCACAGCCCCTGCCCAGCCCCGCGTACCCCGCGCCGCGG-3'
Protein context (NP_000827.2, residues 894-914): YSCCSAEAAP[Pro904=]PAKPPPPPQP

ClinVar aggregate classification (germline): Likely benign. Review status: criteria provided, multiple submitters, no conflicts (2 of 4 stars). 3 submissions from 3 submitters: Likely benign (3). Last evaluated 2025-12-25.

Allele frequency attached by ClinVar (database versions not stated): gnomAD 0.00004; TOPMed 0.00007; gnomAD exomes 0.00012; ExAC 0.00050; 1000 Genomes Project 30x 0.00062.
gnomAD v4.1: 172 of 1,472,756 alleles (0.012%); highest among the groups gnomAD compares: South Asian, 0.058%; 2 homozygotes.

Submissions (3):

Labcorp Genetics (formerly Invitae), Labcorp
Classification: Likely benign. Last evaluated: 2025-12-25. Review status: criteria provided, single submitter. Criteria: Invitae Variant Classification Sherloc (09022015). Collection method: clinical testing. Allele origin: germline.

CeGaT Center for Human Genetics Tuebingen
Classification: Likely benign. Last evaluated: 2025-06-01. Review status: criteria provided, single submitter. Criteria: CeGaT Center For Human Genetics Tuebingen Variant Classification Criteria Version 2. Collection method: clinical testing. Allele origin: germline. Affected: yes. Observed: 1 variant allele.
Comment: GRIN2D: BP4, BP7

Women's Health and Genetics/Laboratory Corporation of America, LabCorp
Classification: Likely benign. Last evaluated: 2025-05-05. Review status: criteria provided, single submitter. Criteria: LabCorp Variant Classification Summary - May 2015. Collection method: clinical testing. Allele origin: germline.